The following is an entry in ClinVar:

ClinVar aggregate classification (germline): Benign. Review status: reviewed by expert panel (3 of 4 stars). 3 submissions from 3 submitters: Benign (1). 2 of the submissions do not count toward it. Last evaluated 2025-02-11.

Conditions:
Bernard Soulier syndrome (BSS). Also called: Platelet Glycoprotein 1b, Deficiency of; BLEEDING DISORDER, PLATELET-TYPE, 1; GLYCOPROTEIN Ib, PLATELET, DEFICIENCY OF; PLATELET GLYCOPROTEIN Ib DEFICIENCY; VON WILLEBRAND FACTOR RECEPTOR DEFICIENCY; Giant platelet syndrome. Identifiers: Orphanet 274, MedGen C0005129, MeSH D001606, MONDO:0009276, OMIM 231200.

Allele frequency attached by ClinVar (database versions not stated): gnomAD exomes 0.36835; gnomAD 0.41841 and 0.42096; TOPMed 0.44243; 1000 Genomes Project 0.51178; 1000 Genomes Project 30x 0.51359.
gnomAD v4.1: 300,991 of 794,276 alleles (38%); highest among the groups gnomAD compares: African/African-American, 59%; 60,967 homozygotes.

Submissions (3):

ClinGen Platelet Disorders Variant Curation Expert Panel, ClinGen
Classification: Benign for Bernard Soulier syndrome. Last evaluated: 2025-02-11. Review status: reviewed by expert panel. Criteria: ClinGen Platelet ACMG Specifications GP1BB V1.0.0. Collection method: curation. Allele origin: germline. Inheritance: Autosomal recessive inheritance.
Comment: The variant NM_000407.5(GP1BB):c.*107C>T is a variant found in the 3' UTR. This variant has a Grpmax filtering allele frequency in gnomADv4.1 is 0.5859 based on the African/African American population, which is greater than 0.001 and thus meets BA1. Additionally, the variant is predicted by splice AI not to impact splicing and occurs at a nucleotide position that is not highly conserved (BP4, BP7). In summary, this variant meets criteria for benign for Bernard-Soulier syndrome based upon the ACMG criteria applied: BA1, BP4, and BP7.

GeneDx
Classification: Benign. Last evaluated: 2018-11-12. Review status: criteria provided, single submitter. Criteria: GeneDx Variant Classification Process June 2021. Collection method: clinical testing. Allele origin: germline. Affected: yes. Not counted in ClinVar's aggregate classification.

Breakthrough Genomics
Classification: Benign. Review status: criteria provided, single submitter. Criteria: ACMG Guidelines, 2015. Collection method: not provided. Allele origin: germline. Inheritance: Autosomal recessive inheritance. Affected: yes. Not counted in ClinVar's aggregate classification.

NM_000407.5(GP1BB):c.*107C>T

Genes: GP1BB (glycoprotein Ib platelet subunit beta; plus strand), SEPT5-GP1BB (SEPT5-GP1BB readthrough; plus strand). Cytogenetic location: 22q11.21.
Variant type: single nucleotide variant.
Coding change: c.*107C>T on transcript NM_000407.5 (MANE Select); 107 bases downstream of the stop codon, C replaced by T.
Molecular consequence: 3 prime UTR variant. On other transcripts: non-coding transcript variant (2).
Genome position (GRCh38, 1-based): chr22:19,724,571, C>T. VCF-style: chr22-19724571-C-T. GRCh37 (hg19) VCF-style: chr22-19712094-C-T.
Identifiers: ClinVar variation 1226396 (VCV001226396.5), dbSNP rs1059196, ClinGen allele CA14972954.
Genomic context (GRCh38, chr22:19,724,571, plus strand): 5'-CGGGCCTGCAAACTCGACAGGACCCTGCCCGAGGGGCCCTCGCGCCAACCTGGACCGGTC[C>T]CCGCCTCCTCCGCTGCCCAATCTCTCAGACCCACCCCACCTGCAGGCCCAGACCACGTGG-3'